The following is an entry in ClinVar:

ClinVar aggregate classification (germline): Uncertain significance. Review status: criteria provided, single submitter (1 of 4 stars). 2 submissions from 2 submitters: Uncertain significance (1). 1 of the submissions does not count toward it. Last evaluated 2016-06-21.

Conditions:
Vissers-Bodmer syndrome. Identifiers: MedGen C5436647, MONDO:0033618, OMIM 619033.

Submissions (2):

GeneDx
Classification: Uncertain significance. Last evaluated: 2016-06-21. Review status: criteria provided, single submitter. Criteria: GeneDx Variant Classification (06012015). Collection method: clinical testing. Allele origin: germline. Affected: yes.
Comment: The c.608_611delTAGA variant in the CNOT1 gene has not been reported previously as a pathogenic variant nor as a benign variant, to our knowledge. The c.608_611delTAGA variant causes a frameshift starting with codon Isoleucine 203, changes this amino acid to a Threonine residue, and creates a premature Stop codon at position 32 of the new reading frame, denoted p.Ile203ThrfsX32. This variant is predicted to cause loss of normal protein function either through protein truncation or nonsense-mediated mRNA decay. The c.608_611delTAGA variant was not observed in approximately 6500 individuals of European and African American ancestry in the NHLBI Exome Sequencing Project, indicating it is not a common benign variant in these populations. We interpret c.608_611delTAGA as a variant of uncertain significance.

OMIM
Classification: Pathogenic for VISSERS-BODMER SYNDROME. Last evaluated: 2020-09-29. Review status: no assertion criteria provided. Collection method: literature only. Allele origin: germline. Not counted in ClinVar's aggregate classification.

Literature cited by the submitters: PubMed 32553196 (cited by OMIM).

NM_016284.5(CNOT1):c.608_611del (p.Ile203fs)

Gene: CNOT1 (CCR4-NOT transcription complex subunit 1; minus strand). Cytogenetic location: 16q21.
Variant type: Deletion.
Coding change: c.608_611del on transcript NM_016284.5 (MANE Select); coding-DNA positions 608 to 611, 4 bases deleted (TAGA; older notation c.608_611delTAGA).
Protein change: p.Ile203fs; shifts the reading frame from isoleucine 203.
Molecular consequence: frameshift variant. On other transcripts: non-coding transcript variant (1).
Genome position (GRCh38, 1-based): chr16:58,586,571-58,586,574, TCTA deleted on the plus strand (TAGA on the coding strand, the reverse complement: CNOT1 is on the minus strand); deleting any 4 consecutive bases within chr16:58,586,571-58,586,577 gives the same sequence; the c. name uses the placement nearest the transcript's 3' end. VCF-style (leftmost placement, unchanged base first): chr16-58586570-GTCTA-G. GRCh37 (hg19) VCF-style: chr16-58620474-GTCTA-G.
Other names: c.608_611del, p.Ile203fs (NM_001265612.2, NM_206999.3); short protein forms I203fs.
Identifiers: ClinVar variation 421508 (VCV000421508.3), dbSNP rs1064795181, ClinGen allele CA16620219.
Genomic context (GRCh38, chr16:58,586,570, plus strand): 5'-AAACCACCCACTGTAGGCTACAAAGACTCCCTTACCTCTGCGCAGCGTCTTAAGAAAAGC[GTCTA>G]TCTGTTCTTGTCCAACTCCAAAGGCTCCCTTCTGCCCAAAGAGGAGATGGGAGAGGAGGA-3'